The following is an entry in ClinVar:

ClinVar aggregate classification (germline): Uncertain significance. Review status: criteria provided, multiple submitters, no conflicts (2 of 4 stars). 2 submissions from 2 submitters: Uncertain significance (2). Last evaluated 2017-10-31.

Conditions:
Monogenic diabetes. Identifiers: Orphanet 183625, MedGen C3888631, MONDO:0015967.

Submissions (2):

Personalized Diabetes Medicine Program, University of Maryland School of Medicine
Classification: Uncertain significance for Monogenic diabetes. Last evaluated: 2017-10-31. Review status: criteria provided, single submitter. Criteria: ACMG Guidelines, 2015. Collection method: research. Allele origin: unknown. Observed: 1 variant allele, 1 heterozygote.
Comment: ACMG criteria: PM4 (nonframeshift)=VUS

Breakthrough Genomics
Classification: Uncertain significance. Review status: criteria provided, single submitter. Criteria: ACMG Guidelines, 2015. Collection method: not provided. Allele origin: germline. Inheritance: Autosomal recessive inheritance. Affected: yes.

NM_012232.6(CAVIN1):c.1038CGA[3] (p.Asp349del)

Gene: CAVIN1 (caveolae associated protein 1; minus strand). Cytogenetic location: 17q21.2.
Variant type: Microsatellite.
Coding change: c.1038CGA[3] on transcript NM_012232.6 (MANE Select); three copies in a row of the 3-base unit CGA starting at c.1038; the reference has four copies in a row; one copy, 3 bases deleted; also written c.1047_1049del.
Protein change: p.Asp349del; deletes aspartic acid 349.
Molecular consequence: inframe deletion.
Genome position (GRCh38, 1-based): chr17:42,404,811-42,404,813, TCG deleted on the plus strand (CGA on the coding strand, the reverse complement: CAVIN1 is on the minus strand); deleting any 3 consecutive bases within chr17:42,404,811-42,404,822 gives the same sequence; the position shown is the placement nearest the transcript's 3' end. VCF-style (leftmost placement, unchanged base first): chr17-42404810-CTCG-C. GRCh37 (hg19) VCF-style: chr17-40556828-CTCG-C.
Other names: c.1047_1049del (NM_012232.6); short protein forms D349del.
Identifiers: ClinVar variation 917427 (VCV000917427.3), dbSNP rs767832643, ClinGen allele CA8575758.